The following is an entry in ClinVar:

ClinVar aggregate classification (germline): Uncertain significance. Review status: criteria provided, multiple submitters, no conflicts (2 of 4 stars). 2 submissions from 2 submitters: Uncertain significance (2). Last evaluated 2024-07-30.

Conditions:
Hereditary cancer-predisposing syndrome. Also called: Neoplastic Syndromes, Hereditary; Hereditary Cancer Syndrome; Tumor predisposition; Hereditary neoplastic syndrome. Identifiers: Orphanet 140162, MedGen C0027672, MeSH D009386, MONDO:0015356.
Multiple endocrine neoplasia, type 2 (MEN2). Identifiers: Orphanet 653, MedGen C4048306, MONDO:0019003. Disease mechanism: gain of function.

Allele frequency attached by ClinVar (database versions not stated): gnomAD exomes 0.00001; ExAC 0.00003.
gnomAD v4.1: 3 of 1,610,362 alleles (0.00019%); highest among the groups gnomAD compares: Non-Finnish European, 0.00025%; no homozygotes.

Submissions (2):

Labcorp Genetics (formerly Invitae), Labcorp
Classification: Uncertain significance for Multiple endocrine neoplasia, type 2. Last evaluated: 2024-07-30. Review status: criteria provided, single submitter. Criteria: Invitae Variant Classification Sherloc (09022015). Collection method: clinical testing. Allele origin: germline.
Comment: This sequence change replaces glycine, which is neutral and non-polar, with alanine, which is neutral and non-polar, at codon 248 of the RET protein (p.Gly248Ala). This variant is present in population databases (rs749189193, gnomAD 0.003%). This variant has not been reported in the literature in individuals affected with RET-related conditions. ClinVar contains an entry for this variant (Variation ID: 1039438). An algorithm developed to predict the effect of missense changes on protein structure and function (PolyPhen-2) suggests that this variant is likely to be tolerated. In summary, the available evidence is currently insufficient to determine the role of this variant in disease. Therefore, it has been classified as a Variant of Uncertain Significance.

Ambry Genetics
Classification: Uncertain significance for Hereditary cancer-predisposing syndrome. Last evaluated: 2022-02-14. Review status: criteria provided, single submitter. Criteria: Ambry Variant Classification Scheme 2023. Collection method: clinical testing. Allele origin: germline.
Comment: The p.G248A variant (also known as c.743G>C), located in coding exon 4 of the RET gene, results from a G to C substitution at nucleotide position 743. The glycine at codon 248 is replaced by alanine, an amino acid with similar properties. This amino acid position is conserved. In addition, this alteration is predicted to be tolerated by in silico analysis. Since supporting evidence is limited at this time, the clinical significance of this alteration remains unclear.

NM_020975.6(RET):c.743G>C (p.Gly248Ala)

Gene: RET (ret proto-oncogene; plus strand). Cytogenetic location: 10q11.21.
Variant type: single nucleotide variant.
Coding change: c.743G>C on transcript NM_020975.6 (MANE Select); coding-DNA position 743, G replaced by C.
Protein change: p.Gly248Ala; replaces glycine 248 with alanine.
Molecular consequence: missense variant.
Genome position (GRCh38, 1-based): chr10:43,105,069, G>C. VCF-style: chr10-43105069-G-C. GRCh37 (hg19) VCF-style: chr10-43600517-G-C.
Other names: c.743G>C, p.Gly248Ala (NM_000323.2, NM_001406743.1, NM_001406744.1 and 8 more transcripts); c.-20G>C (NM_001355216.2); c.614G>C, p.Gly205Ala (NM_001406761.1, NM_001406762.1, NM_001406764.1 and 2 more transcripts); c.455G>C, p.Gly152Ala (NM_001406766.1, NM_001406767.1, NM_001406770.1); short protein forms G248A, G152A, G205A.
Identifiers: ClinVar variation 1039438 (VCV001039438.12), dbSNP rs749189193, ClinGen allele CA044746.
Genomic context (GRCh38, chr10:43,105,069, plus strand): 5'-CCCTGGACCGCGAGCAGCGGGAGAAGTACGAGCTGGTGGCCGTGTGCACCGTGCACGCCG[G>C]CGCGCGCGAGGAGGTGGTGATGGTGCCCTTCCCGGTGACCGTGTACGACGAGGACGACTC-3'
Protein context (NP_066124.1, residues 238-258): ELVAVCTVHA[Gly248Ala]AREEVVMVPF